The following is an entry in ClinVar:

ClinVar aggregate classification (germline): Benign/Likely benign. Review status: criteria provided, multiple submitters, no conflicts (2 of 4 stars). 6 submissions from 5 submitters: Benign (2); Likely benign (4). Last evaluated 2026-01-22.

Conditions:
Fibrochondrogenesis 1 (FBCG1). Identifiers: Orphanet 2021, MedGen C3278138, MONDO:0009226, OMIM 228520.
Stickler syndrome type 2 (STL2). Also called: COL11A1-Related Stickler Syndrome; STICKLER SYNDROME, TYPE II; STICKLER SYNDROME, BEADED VITREOUS TYPE; STICKLER SYNDROME, VITREOUS TYPE 2. Identifiers: Orphanet 828, Orphanet 90654, MedGen C1858084, MONDO:0011493, OMIM 604841.

Allele frequency attached by ClinVar (database versions not stated): gnomAD exomes 0.00029 and 0.00078; ExAC 0.00082; gnomAD 0.00160 and 0.00161; ESP Exome Variant Server 0.00161; TOPMed 0.00184; 1000 Genomes Project 30x 0.00281; 1000 Genomes Project 0.00319.
gnomAD v4.1: 693 of 1,613,246 alleles (0.043%); highest among the groups gnomAD compares: East Asian, 0.56%; 2 homozygotes.

Submissions (6):

Labcorp Genetics (formerly Invitae), Labcorp
Classification: Benign. Last evaluated: 2026-01-22. Review status: criteria provided, single submitter. Criteria: Invitae Variant Classification Sherloc (09022015). Collection method: clinical testing. Allele origin: germline.

Blueprint Genetics
Classification: Likely benign. Last evaluated: 2024-11-11. Review status: criteria provided, single submitter. Criteria: ACMG Guidelines, 2015. Collection method: clinical testing. Allele origin: germline.

ARUP Laboratories, Molecular Genetics and Genomics, ARUP Laboratories
Classification: Likely benign. Last evaluated: 2024-10-23. Review status: criteria provided, single submitter. Criteria: ARUP Molecular Germline Variant Investigation Process 2024. Collection method: clinical testing. Allele origin: germline.

GeneDx
Classification: Benign. Last evaluated: 2020-01-16. Review status: criteria provided, single submitter. Criteria: GeneDx Variant Classification Process June 2021. Collection method: clinical testing. Allele origin: germline. Affected: yes.

Illumina Laboratory Services, Illumina
Classification: Likely benign for Fibrochondrogenesis 1. Last evaluated: 2018-01-12. Review status: criteria provided, single submitter. Criteria: ICSL Variant Classification Criteria 13 December 2019. Collection method: clinical testing. Allele origin: germline.
Comment: This variant was observed in the ICSL laboratory as part of a predisposition screen in an ostensibly healthy population. It had not been previously curated by ICSL or reported in the Human Gene Mutation Database (HGMD: prior to June 1st, 2018), and was therefore a candidate for classification through an automated scoring system. Utilizing variant allele frequency, disease prevalence and penetrance estimates, and inheritance mode, an automated score was calculated to assess if this variant is too frequent to cause the disease. Based on the score and internal cut-off values, a variant classified as likely benign is not then subjected to further curation. The score for this variant resulted in a classification of likely benign for this disease.

Illumina Laboratory Services, Illumina
Classification: Likely benign for Stickler syndrome type 2. Last evaluated: 2018-01-12. Review status: criteria provided, single submitter. Criteria: ICSL Variant Classification Criteria 13 December 2019. Collection method: clinical testing. Allele origin: germline.
Comment: the same text as in the submission from Illumina Laboratory Services, Illumina above.

NM_001854.4(COL11A1):c.3729G>A (p.Gly1243=)

Gene: COL11A1 (collagen type XI alpha 1 chain; minus strand). Cytogenetic location: 1p21.1.
Variant type: single nucleotide variant.
Coding change: c.3729G>A on transcript NM_001854.4 (MANE Select); coding-DNA position 3729, G replaced by A.
Protein change: p.Gly1243=; no amino-acid change (glycine 1243 retained).
Molecular consequence: synonymous variant. On other transcripts: non-coding transcript variant (1).
Genome position (GRCh38, 1-based): chr1:102,920,344, C>T on the plus strand (G>A on the coding strand, the complement: COL11A1 is on the minus strand). VCF-style: chr1-102920344-C-T. GRCh37 (hg19) VCF-style: chr1-103385900-C-T.
Other names: c.3612G>A, p.Gly1204= (NM_001190709.2); c.3765G>A, p.Gly1255= (NM_080629.3); c.3381G>A, p.Gly1127= (NM_080630.4).
Identifiers: ClinVar variation 291514 (VCV000291514.20), dbSNP rs148395062, ClinGen allele CA973868.